The following is an entry in ClinVar:

NM_206926.2(SELENON):c.448G>A (p.Ala150Thr)

Gene: SELENON (selenoprotein N; plus strand). Cytogenetic location: 1p36.11.
Variant type: single nucleotide variant.
Coding change: c.448G>A on transcript NM_206926.2 (MANE Select); coding-DNA position 448, G replaced by A.
Protein change: p.Ala150Thr; replaces alanine 150 with threonine.
Molecular consequence: missense variant.
Genome position (GRCh38, 1-based): chr1:25,808,592, G>A. VCF-style: chr1-25808592-G-A. GRCh37 (hg19) VCF-style: chr1-26135083-G-A.
Other names: c.550G>A, p.Ala184Thr (NM_020451.3); short protein forms A150T, A184T.
Identifiers: ClinVar variation 950957 (VCV000950957.6), dbSNP rs199742668, ClinGen allele CA696561.

ClinVar aggregate classification (germline): Uncertain significance. Review status: criteria provided, multiple submitters, no conflicts (2 of 4 stars). 2 submissions from 2 submitters: Uncertain significance (2). Last evaluated 2024-12-05.

Conditions:
Inborn genetic diseases. Identifiers: MedGen C0950123, MeSH D030342.
Eichsfeld type congenital muscular dystrophy (CMYO3). Also called: MYOPATHY, SEPN1-RELATED; Rigid spine muscular dystrophy 1; SELENON-related myopathy; Congenital myopathy 3 with rigid spine. Identifiers: MedGen C0410180, MONDO:0100100, OMIM 602771.

Allele frequency attached by ClinVar (database versions not stated): TOPMed 0.00003.
gnomAD v4.1: 8 of 1,613,172 alleles (0.0005%); highest among the groups gnomAD compares: South Asian, 0.0022%; no homozygotes.

Submissions (2):

Ambry Genetics
Classification: Uncertain significance for Inborn genetic diseases. Last evaluated: 2024-12-05. Review status: criteria provided, single submitter. Criteria: Ambry Variant Classification Scheme 2023. Collection method: clinical testing. Allele origin: germline.

Labcorp Genetics (formerly Invitae), Labcorp
Classification: Uncertain significance for Eichsfeld type congenital muscular dystrophy. Last evaluated: 2024-11-04. Review status: criteria provided, single submitter. Criteria: Invitae Variant Classification Sherloc (09022015). Collection method: clinical testing. Allele origin: germline.
Comment: This sequence change replaces alanine, which is neutral and non-polar, with threonine, which is neutral and polar, at codon 184 of the SELENON protein (p.Ala184Thr). This variant is present in population databases (rs199742668, gnomAD 0.003%). This variant has not been reported in the literature in individuals affected with SELENON-related conditions. ClinVar contains an entry for this variant (Variation ID: 950957). An algorithm developed to predict the effect of missense changes on protein structure and function (PolyPhen-2) suggests that this variant¬†is likely to be tolerated. In summary, the available evidence is currently insufficient to determine the role of this variant in disease. Therefore, it has been classified as a Variant of Uncertain Significance.